The following is an entry in ClinVar:

ClinVar aggregate classification (germline): Pathogenic/Likely pathogenic. Review status: criteria provided, multiple submitters, no conflicts (2 of 4 stars). 4 submissions from 4 submitters: Pathogenic (2); Likely pathogenic (2). Last evaluated 2025-08-19.

Conditions:
Trimethylaminuria (TMAU). Also called: Primary Trimethylaminuria; Fish malodor syndrome; Stale fish syndrome; TMAuria; FISH-ODOR SYNDROME. Identifiers: MedGen C0342739, MONDO:0011182, OMIM 602079, HP:0003614. Disease mechanism: loss of function.

Allele frequency attached by ClinVar (database versions not stated): gnomAD exomes below 0.00001; TOPMed 0.00002.

Submissions (4):

Myriad Genetics, Inc.
Classification: Pathogenic for Trimethylaminuria. Last evaluated: 2025-08-19. Review status: criteria provided, single submitter. Criteria: Myriad Autosomal Dominant, Autosomal Recessive and X-Linked Classification Criteria (2023). Collection method: clinical testing. Allele origin: unknown.
Comment: NM_001002294.2(FMO3):c.559delG(V187Sfs*25) is a frameshift variant classified as pathogenic in the context of primary trimethylaminuria. V187Sfs*25 has not been observed in cases with relevant disease. Relevant functional assessments of this variant are not available in the literature. V187Sfs*25 has been observed in referenced population frequency databases. In summary, NM_001002294.2(FMO3):c.559delG(V187Sfs*25) is a frameshift variant in a gene where loss of function is a known mechanism of disease and is predicted to disrupt protein function. Please note: this variant was assessed in the context of healthy population screening.

Fulgent Genetics
Classification: Likely pathogenic for Trimethylaminuria. Last evaluated: 2024-05-22. Review status: criteria provided, single submitter. Criteria: ACMG Guidelines, 2015. Collection method: clinical testing. Allele origin: germline.

Labcorp Genetics (formerly Invitae), Labcorp
Classification: Pathogenic. Last evaluated: 2024-01-22. Review status: criteria provided, single submitter. Criteria: Invitae Variant Classification Sherloc (09022015). Collection method: clinical testing. Allele origin: germline.
Comment: This sequence change creates a premature translational stop signal (p.Val187Serfs*25) in the FMO3 gene. It is expected to result in an absent or disrupted protein product. Loss-of-function variants in FMO3 are known to be pathogenic (PMID: 20301282). This variant is present in population databases (no rsID available, gnomAD 0.01%). This variant has not been reported in the literature in individuals affected with FMO3-related conditions. For these reasons, this variant has been classified as Pathogenic.

Juno Genomics, Hangzhou Juno Genomics, Inc
Classification: Likely pathogenic for Trimethylaminuria. Review status: criteria provided, single submitter. Criteria: ACMG Guidelines, 2015. Collection method: clinical testing. Allele origin: germline.
Comment: Null variant in a gene where loss of function (LOF) is a known mechanism of disease.;Absent from controls (or at extremely low frequency if recessive) in Genome Aggregation Database.

Literature cited by the submitters: PubMed 20301282 (cited by Labcorp Genetics (formerly Invitae), Labcorp).

NM_001002294.3(FMO3):c.559del (p.Val187fs)

Genes: FMO3 (flavin containing dimethylaniline monoxygenase 3; plus strand), LOC126805916 (BRD4-independent group 4 enhancer GRCh37_chr1:171076844-171078043; plus strand). Cytogenetic location: 1q24.3.
Variant type: Deletion.
Coding change: c.559del on transcript NM_001002294.3 (MANE Select); coding-DNA position 559, one base deleted (G; older notation c.559delG).
Protein change: p.Val187fs; shifts the reading frame from valine 187.
Molecular consequence: frameshift variant.
Genome position (GRCh38, 1-based): chr1:171,108,153, G deleted. VCF-style (leftmost placement, unchanged base first): chr1-171108152-TG-T. GRCh37 (hg19) VCF-style: chr1-171077293-TG-T.
Other names: c.499del, p.Val167fs (NM_001319173.2); c.370del, p.Val124fs (NM_001319174.2); c.559del, p.Val187fs (NM_006894.6); short protein forms V124fs, V187fs, V167fs.
Identifiers: ClinVar variation 2822929 (VCV002822929.6), dbSNP rs1270775688, ClinGen allele CA526746300.
Genomic context (GRCh38, chr1:171,108,152, plus strand): 5'-TAAAGGCAAATGCTTCCACAGCAGGGACTATAAAGAACCAGGTGTATTCAATGGAAAGCG[TG>T]TCCTGGTGGTTGGCCTGGGGAATTCGGGCTGTGATATTGCCACAGAACTCAGCCGCACAG-3'